The following is an entry in ClinVar:

NM_000070.3(CAPN3):c.964T>C (p.Tyr322His)

Gene: CAPN3 (calpain 3; plus strand). Cytogenetic location: 15q15.1.
Variant type: single nucleotide variant.
Coding change: c.964T>C on transcript NM_000070.3 (MANE Select); coding-DNA position 964, T replaced by C.
Protein change: p.Tyr322His; replaces tyrosine 322 with histidine.
Molecular consequence: missense variant.
Genome position (GRCh38, 1-based): chr15:42,392,657, T>C. VCF-style: chr15-42392657-T-C. GRCh37 (hg19) VCF-style: chr15-42684855-T-C.
Other names: c.964T>C, p.Tyr322His (NM_024344.2); c.820T>C, p.Tyr274His (NM_173087.2); short protein forms Y322H, Y274H.
Identifiers: ClinVar variation 554290 (VCV000554290.51), dbSNP rs149591108, ClinGen allele CA7511202.

ClinVar aggregate classification (germline): Uncertain significance. Review status: criteria provided, multiple submitters, no conflicts (2 of 4 stars). 6 submissions from 6 submitters: Uncertain significance (4). 2 of the submissions do not count toward it. Last evaluated 2024-09-27.

Conditions:
Autosomal recessive limb-girdle muscular dystrophy type 2A (LGMDR1). Also called: LEYDEN-MOEBIUS MUSCULAR DYSTROPHY; MUSCULAR DYSTROPHY, PELVOFEMORAL; Limb-girdle muscular dystrophy, type 2A; Calpainopathy; Muscular dystrophy, limb-girdle, type 2A, Amish. Identifiers: Orphanet 267, MedGen C1869123, MONDO:0009675, OMIM 253600. Disease mechanism: loss of function.

Allele frequency attached by ClinVar (database versions not stated): gnomAD 0.00001; TOPMed 0.00001; gnomAD exomes 0.00002; ExAC 0.00004; ESP Exome Variant Server 0.00015.
gnomAD v4.1: 36 of 1,613,720 alleles (0.0022%); highest among the groups gnomAD compares: Middle Eastern, 0.066%; no homozygotes.

Submissions (6):

Labcorp Genetics (formerly Invitae), Labcorp
Classification: Uncertain significance for Autosomal recessive limb-girdle muscular dystrophy type 2A. Last evaluated: 2024-09-27. Review status: criteria provided, single submitter. Criteria: Invitae Variant Classification Sherloc (09022015). Collection method: clinical testing. Allele origin: germline.
Comment: This sequence change replaces tyrosine, which is neutral and polar, with histidine, which is basic and polar, at codon 322 of the CAPN3 protein (p.Tyr322His). This variant is present in population databases (rs149591108, gnomAD 0.006%). This missense change has been observed in individual(s) with limb girdle muscular dystrophy (PMID: 16141003). ClinVar contains an entry for this variant (Variation ID: 554290). Invitae Evidence Modeling of protein sequence and biophysical properties (such as structural, functional, and spatial information, amino acid conservation, physicochemical variation, residue mobility, and thermodynamic stability) has been performed for this missense variant. However, the output from this modeling did not meet the statistical confidence thresholds required to predict the impact of this variant on CAPN3 protein function. In summary, the available evidence is currently insufficient to determine the role of this variant in disease. Therefore, it has been classified as a Variant of Uncertain Significance.

Women's Health and Genetics/Laboratory Corporation of America, LabCorp
Classification: Uncertain significance. Last evaluated: 2024-08-01. Review status: criteria provided, single submitter. Criteria: LabCorp Variant Classification Summary - May 2015. Collection method: clinical testing. Allele origin: germline.
Comment: Variant summary: CAPN3 c.964T>C (p.Tyr322His) results in a conservative amino acid change located in the Peptidase C2, calpain, catalytic domain (IPR001300) of the encoded protein sequence. Four of five in-silico tools predict a benign effect of the variant on protein function. The variant allele was found at a frequency of 2.4e-05 in 251256 control chromosomes. The available data on variant occurrences in the general population are insufficient to allow any conclusion about variant significance. c.964T>C has been reported in the literature as a non-informative genotype or as heterozygous in individuals affected with Limb-Girdle Muscular Dystrophy, Autosomal Recessive as well as hyperCKemia (example, Piluso_2005, Balci_2006, Gamelli_2020). These report(s) do not provide unequivocal conclusions about association of the variant with Limb-Girdle Muscular Dystrophy, Autosomal Recessive. To our knowledge, no experimental evidence demonstrating an impact on protein function has been reported. The following publications have been ascertained in the context of this evaluation (PMID: 16411092, 16141003, 34687219). ClinVar contains an entry for this variant (Variation ID: 554290). Based on the evidence outlined above, the variant was classified as uncertain significance.

Athena Diagnostics
Classification: Uncertain significance. Last evaluated: 2018-10-22. Review status: criteria provided, single submitter. Criteria: Athena Diagnostics Criteria. Collection method: clinical testing. Allele origin: germline.

CeGaT Center for Human Genetics Tuebingen
Classification: Uncertain significance. Last evaluated: 2018-07-01. Review status: criteria provided, single submitter. Criteria: CeGaT Center For Human Genetics Tuebingen Variant Classification Criteria Version 2. Collection method: clinical testing. Allele origin: germline. Affected: yes. Observed: 1 variant allele.

Natera, Inc.
Classification: Uncertain significance for Limb-girdle muscular dystrophy type 2A. Last evaluated: 2020-09-16. Review status: no assertion criteria provided. Collection method: clinical testing. Allele origin: germline. Not counted in ClinVar's aggregate classification.

Counsyl
Classification: Uncertain significance for Autosomal recessive limb-girdle muscular dystrophy type 2A. Last evaluated: 2017-10-14. Review status: no assertion criteria provided. Collection method: clinical testing. Allele origin: unknown. Not counted in ClinVar's aggregate classification.

Literature cited by the submitters: PubMed 16141003 (cited by 3 submitters); PubMed 16411092 (cited by 3 submitters); PubMed 34687219 (cited by Women's Health and Genetics/Laboratory Corporation of America, LabCorp).